The following is an entry in ClinVar:

NM_147127.5(EVC2):c.3659+237A>G

Gene: EVC2 (EvC ciliary complex subunit 2; minus strand). Cytogenetic location: 4p16.2.
Variant type: single nucleotide variant.
Coding change: c.3659+237A>G on transcript NM_147127.5 (MANE Select); 237 bases into the intron after coding-DNA position 3659, A replaced by G.
Molecular consequence: intron variant.
Genome position (GRCh38, 1-based): chr4:5,565,021, T>C on the plus strand (A>G on the coding strand, the complement: EVC2 is on the minus strand). VCF-style: chr4-5565021-T-C. GRCh37 (hg19) VCF-style: chr4-5566748-T-C.
Other names: c.3419+237A>G (NM_001166136.2).
Identifiers: ClinVar variation 667873 (VCV000667873.1), dbSNP rs4234707, ClinGen allele CA91688376.

ClinVar aggregate classification (germline): Benign (1 of 4 stars; one submission).

Allele frequency attached by ClinVar (database versions not stated): 1000 Genomes Project 30x 0.90834; 1000 Genomes Project 0.90974; TOPMed 0.92339; gnomAD 0.92768 and 0.92918.
gnomAD v4.1: 141,597 of 152,304 alleles (93%); highest among the groups gnomAD compares: Non-Finnish European, 99%; 66,307 homozygotes.

Submission:

GeneDx
Classification: Benign. Last evaluated: 2018-06-14. Review status: criteria provided, single submitter. Criteria: GeneDx Variant Classification (06012015). Collection method: clinical testing. Allele origin: germline. Affected: yes.
Comment: This variant is considered likely benign or benign based on one or more of the following criteria: it is a conservative change, it occurs at a poorly conserved position in the protein, it is predicted to be benign by multiple in silico algorithms, and/or has population frequency not consistent with disease.